The following is an entry in ClinVar:

ClinVar aggregate classification (germline): Uncertain significance (1 of 4 stars; one submission).

Allele frequency attached by ClinVar (database versions not stated): gnomAD exomes 0.00001.
gnomAD v4.1: 3 of 1,613,948 alleles (0.00019%); highest among the groups gnomAD compares: Admixed American, 0.005%; no homozygotes.

Submission:

GeneDx
Classification: Uncertain significance. Last evaluated: 2022-03-16. Review status: criteria provided, single submitter. Criteria: GeneDx Variant Classification Process June 2021. Collection method: clinical testing. Allele origin: germline. Affected: yes.
Comment: Not observed at significant frequency in large population cohorts (gnomAD); In silico analysis supports that this missense variant does not alter protein structure/function; Has not been previously published as pathogenic or benign to our knowledge

NM_022095.4(ZNF335):c.1678A>T (p.Ser560Cys)

Gene: ZNF335 (zinc finger protein 335; minus strand). Cytogenetic location: 20q13.12.
Variant type: single nucleotide variant.
Coding change: c.1678A>T on transcript NM_022095.4 (MANE Select); coding-DNA position 1678, A replaced by T.
Protein change: p.Ser560Cys; replaces serine 560 with cysteine.
Molecular consequence: missense variant.
Genome position (GRCh38, 1-based): chr20:45,960,720, T>A on the plus strand (A>T on the coding strand, the complement: ZNF335 is on the minus strand). VCF-style: chr20-45960720-T-A. GRCh37 (hg19) VCF-style: chr20-44589359-T-A.
Other names: short protein forms S560C.
Identifiers: ClinVar variation 1706296 (VCV001706296.2), dbSNP rs1382822836, ClinGen allele CA409246958.